The following is an entry in ClinVar:

NM_144666.3(DNHD1):c.4510C>T (p.Gln1504Ter)

Gene: DNHD1 (dynein heavy chain domain 1; plus strand). Cytogenetic location: 11p15.4.
Variant type: single nucleotide variant.
Coding change: c.4510C>T on transcript NM_144666.3 (MANE Select); coding-DNA position 4510, C replaced by T.
Protein change: p.Gln1504Ter; replaces glutamine 1504 with a stop codon.
Molecular consequence: nonsense.
Genome position (GRCh38, 1-based): chr11:6,545,449, C>T. VCF-style: chr11-6545449-C-T. GRCh37 (hg19) VCF-style: chr11-6566679-C-T.
Other names: short protein forms Q1504*.
Identifiers: ClinVar variation 4539961 (VCV004539961.1).
Genomic context (GRCh38, chr11:6,545,449, plus strand): 5'-CTGCCCAAGCAAAACAAGTTGTACCTGCAACTGTATGTCCAGCACTGGATCGACTTAGTC[C>T]AGGCCTTCCCATGGCAGTGTGTGCTGGTGGCAGAGGAGGTGGTATGGCGGGCCGAGATGG-3'

ClinVar aggregate classification (germline): Uncertain significance (1 of 4 stars; one submission).

gnomAD v4.1: 146 of 1,551,870 alleles (0.0094%); highest among the groups gnomAD compares: African/African-American, 0.18%; no homozygotes.

Submission:

GeneDx
Classification: Uncertain significance. Last evaluated: 2025-06-25. Review status: criteria provided, single submitter. Criteria: GeneDx Variant Classification Process June 2021. Collection method: clinical testing. Allele origin: germline. Affected: yes.
Comment: Identified by exome sequencing in a single individual with proliferative diabetic retinopathy in the published literature without additional clinical information (PMID: 28431867); Nonsense variant predicted to result in protein truncation or nonsense mediated decay in a gene for which loss of function is a known mechanism of disease; This variant is associated with the following publications: (PMID: 28431867)